The following is an entry in ClinVar:

NM_000334.4(SCN4A):c.5453C>T (p.Pro1818Leu)

Genes: GH-LCR (growth hormone locus control region; plus strand), SCN4A (sodium voltage-gated channel alpha subunit 4; minus strand). Cytogenetic location: 17q23.3.
Variant type: single nucleotide variant.
Coding change: c.5453C>T on transcript NM_000334.4 (MANE Select); coding-DNA position 5453, C replaced by T.
Protein change: p.Pro1818Leu; replaces proline 1818 with leucine.
Molecular consequence: missense variant.
Genome position (GRCh38, 1-based): chr17:63,940,829, G>A on the plus strand (C>T on the coding strand, the complement: SCN4A is on the minus strand). VCF-style: chr17-63940829-G-A. GRCh37 (hg19) VCF-style: chr17-62018189-G-A.
Other names: p.Pro1818Leu; short protein forms P1818L.
Identifiers: ClinVar variation 2026658 (VCV002026658.8), dbSNP rs556334853, ClinGen allele CA8708750.

ClinVar aggregate classification (germline): Uncertain significance. Review status: criteria provided, multiple submitters, no conflicts (2 of 4 stars). 3 submissions from 3 submitters: Uncertain significance (3). Last evaluated 2024-10-03.

Conditions:
Hyperkalemic periodic paralysis. Also called: Familial hyperkalemic periodic paralysis; Gamstorp disease. Identifiers: Orphanet 682, MedGen C0238357, MONDO:0008224, OMIM 170500, HP:0007215.

Allele frequency attached by ClinVar (database versions not stated): gnomAD exomes 0.00001; TOPMed 0.00001; ExAC 0.00003; gnomAD 0.00003; 1000 Genomes Project 30x 0.00016; 1000 Genomes Project 0.00020.

Submissions (3):

Labcorp Genetics (formerly Invitae), Labcorp
Classification: Uncertain significance for Hyperkalemic periodic paralysis. Last evaluated: 2024-10-03. Review status: criteria provided, single submitter. Criteria: Invitae Variant Classification Sherloc (09022015). Collection method: clinical testing. Allele origin: germline.
Comment: This sequence change replaces proline, which is neutral and non-polar, with leucine, which is neutral and non-polar, at codon 1818 of the SCN4A protein (p.Pro1818Leu). This variant is present in population databases (rs556334853, gnomAD 0.003%). This variant has not been reported in the literature in individuals affected with SCN4A-related conditions. ClinVar contains an entry for this variant (Variation ID: 2026658). Invitae Evidence Modeling of protein sequence and biophysical properties (such as structural, functional, and spatial information, amino acid conservation, physicochemical variation, residue mobility, and thermodynamic stability) indicates that this missense variant is not expected to disrupt SCN4A protein function with a negative predictive value of 95%. In summary, the available evidence is currently insufficient to determine the role of this variant in disease. Therefore, it has been classified as a Variant of Uncertain Significance.

Mayo Clinic Laboratories, Mayo Clinic
Classification: Uncertain significance. Last evaluated: 2023-11-22. Review status: criteria provided, single submitter. Criteria: ACMG Guidelines, 2015. Collection method: clinical testing. Allele origin: germline. Observed: 1 variant allele.

Revvity Omics, Revvity
Classification: Uncertain significance. Last evaluated: 2021-07-13. Review status: criteria provided, single submitter. Criteria: ACMG Guidelines, 2015. Collection method: clinical testing. Allele origin: germline.